The following is an entry in ClinVar:

ClinVar aggregate classification (germline): Pathogenic. Review status: criteria provided, multiple submitters, no conflicts (2 of 4 stars). 29 submissions from 29 submitters: Pathogenic (27). 2 of the submissions do not count toward it. Last evaluated 2026-08-12.

Conditions:
Neurofibromatosis-Noonan syndrome (NFNS). Also called: NEUROFIBROMATOSIS WITH NOONAN PHENOTYPE. Identifiers: Orphanet 638, MedGen C2931482, MONDO:0011035, OMIM 601321. Disease mechanism: loss of function.
Café-au-lait macules with pulmonary stenosis (WTSN). Also called: PULMONIC STENOSIS WITH CAFE-AU-LAIT SPOTS. Identifiers: MedGen C0553586, MONDO:0008672, OMIM 193520.
Neurofibromatosis, type 1 (NF1). Also called: NEUROFIBROMATOSIS, TYPE I, SOMATIC; Peripheral type neurofibromatosis; Neurofibromatosis, type I; VON RECKLINGHAUSEN DISEASE. Identifiers: Orphanet 636, MedGen C0027831, MONDO:0018975, OMIM 162200. Disease mechanism: loss of function.
Juvenile myelomonocytic leukemia (JMML). Also called: LEUKEMIA, JUVENILE MYELOMONOCYTIC, SOMATIC. Identifiers: Orphanet 86834, MedGen C0349639, MONDO:0011908, OMIM 607785, HP:0012209.
Neurofibromatosis, familial spinal (FSNF). Identifiers: Orphanet 636, MedGen C1834235, MONDO:0008078, OMIM 162210. Disease mechanism: loss of function.
NF1-related disorder. Also called: NF1-related condition. Identifiers: MedGen CN379171.
Hereditary cancer-predisposing syndrome. Also called: Neoplastic Syndromes, Hereditary; Hereditary neoplastic syndrome; Tumor predisposition; Hereditary Cancer Syndrome. Identifiers: Orphanet 140162, MedGen C0027672, MeSH D009386, MONDO:0015356.
Cardiovascular phenotype. Identifiers: MedGen CN230736.

Allele frequency attached by ClinVar (database versions not stated): gnomAD exomes below 0.00001; ExAC 0.00001.
gnomAD v4.1: 1 of 1,611,594 alleles (0.000062%); highest among the groups gnomAD compares: Non-Finnish European, 0.000085%; no homozygotes.

Submissions 1 to 11 of 29:

PreventionGenetics, part of Exact Sciences
Classification: Pathogenic for NF1-related condition. Last evaluated: 2026-08-12. Review status: criteria provided, single submitter. Criteria: ACMG Guidelines, 2015. Collection method: clinical testing. Allele origin: germline.
Comment: The NF1 c.1246C>T variant is predicted to result in premature protein termination (p.Arg416*). This variant has been identified in multiple individuals with neurofibromatosis type 1 (Osborn et al. 1999. PubMed ID: 10543400; Mattocks et al. 2004. PubMed ID: 15060124; Ko et al. 2013. PubMed ID: 23668869; Maruoka et al. 2014. PubMed ID: 25325900). It is reported in 0.00089% of alleles in individuals of European (Non-Finnish) descent in gnomAD and is classified as pathogenic in ClinVar (Variation ID: 404597). Nonsense variants in NF1 are expected to be pathogenic. This variant is interpreted as pathogenic.

Victorian Clinical Genetics Services, Murdoch Childrens Research Institute
Classification: Pathogenic for Neurofibromatosis, type 1. Last evaluated: 2026-05-06. Review status: criteria provided, single submitter. Criteria: ACMG Guidelines, 2015. Collection method: clinical testing. Allele origin: germline.
Comment: This variant is classified as Pathogenic. Evidence in support of pathogenic classification: Variant is predicted to cause nonsense-mediated decay (NMD) and loss of protein (premature termination codon is located at least 54 nucleotides upstream of the final exon-exon junction); Variant is present in gnomAD <0.001 for a dominant condition (v4: 1 heterozygote(s), 0 homozygote(s)); This variant has strong previous evidence of pathogenicity in unrelated individuals. This variant has been classified as pathogenic by many clinical laboratories in ClinVar; Other NMD-predicted variant(s) comparable to the one identified in this case have very strong previous evidence for pathogenicity (DECIPHER). Additional information: This gene is associated with autosomal dominant disease; Loss of function is a known mechanism of disease in this gene and is associated with neurofibromatosis type 1 (MONDO:0018975); Variants in this gene are known to have variable expressivity. Disease manifestation can be extremely variable, even within a family (PMID: 20301288).

Clinical Genetics Laboratory, Skane University Hospital Lund
Classification: Pathogenic for Neurofibromatosis, type 1. Last evaluated: 2026-01-28. Review status: criteria provided, single submitter. Criteria: ACMG Guidelines, 2015. Collection method: clinical testing. Allele origin: germline. Affected: yes.
Comment: ACMG criteria used: PVS1 and PS4

Labcorp Genetics (formerly Invitae), Labcorp
Classification: Pathogenic for Neurofibromatosis, type 1. Last evaluated: 2026-01-13. Review status: criteria provided, single submitter. Criteria: Invitae Variant Classification Sherloc (09022015). Collection method: clinical testing. Allele origin: germline.
Comment: This sequence change creates a premature translational stop signal (p.Arg416*) in the NF1 gene. It is expected to result in an absent or disrupted protein product. Loss-of-function variants in NF1 are known to be pathogenic (PMID: 10712197, 23913538). This variant is present in population databases (rs764079291, gnomAD 0.0009%). This premature translational stop signal has been observed in individuals with neurofibromatosis type 1 (PMID: 10543400, 10712197, 15060124, 23668869, 25325900). Invitae Evidence Modeling of clinical and family history, age, sex, and reported ancestry of multiple individuals with this NF1 variant has been performed. This variant is expected to be pathogenic with a positive predictive value of at least 99%. This is a validated machine learning model that incorporates the clinical features of 1,785,918 individuals referred to our laboratory for NF1 testing. ClinVar contains an entry for this variant (Variation ID: 404597). For these reasons, this variant has been classified as Pathogenic.

Dasa
Classification: Pathogenic. Last evaluated: 2025-10-06. Review status: criteria provided, single submitter. Criteria: DASA Assertion Criteria. Collection method: clinical testing. Allele origin: germline.
Comment: NM_001042492.3(NF1):c.1246C>T (p.Arg416Ter) introduces a premature termination codon predicted to result in loss of normal protein function. Loss-of-function is an established mechanism of disease for this gene. This variant has been recurrently observed in individuals with related phenotype (PMID: 23244495; PMID: 31370276; PMID: 29914388; PMID: 24789688). The variant is present at low frequency in population datasets. Based on the available data, this variant is classified as pathogenic.

Genomic Medicine Center of Excellence, King Faisal Specialist Hospital and Research Centre
Classification: Pathogenic for Neurofibromatosis, type 1. Last evaluated: 2025-09-10. Review status: criteria provided, single submitter. Criteria: ACMG Guidelines, 2015. Collection method: clinical testing. Allele origin: germline.

Institute of Medical Genetics and Applied Genomics, University Hospital Tübingen
Classification: Pathogenic for Neurofibromatosis, type 1. Last evaluated: 2025-08-13. Review status: criteria provided, single submitter. Criteria: ACMG Guidelines, 2015. Collection method: clinical testing. Allele origin: germline. Inheritance: Autosomal dominant inheritance. Affected: yes.

3billion
Classification: Pathogenic for Neurofibromatosis, type 1. Last evaluated: 2025-06-20. Review status: criteria provided, single submitter. Criteria: ACMG Guidelines, 2015. Collection method: clinical testing. Allele origin: germline. Affected: yes.
Comment: The variant is observed at an extremely low frequency in the gnomAD v4.1.0 dataset (total allele frequency: <0.001%). Predicted Consequence/Location: Stop-gained (nonsense): predicted to result in a loss or disruption of normal protein function through nonsense-mediated decay (NMD) or protein truncation. Multiple pathogenic variants are reported downstream of the variant. The variant has been observed in multiple (>3) similarly affected unrelated individuals (PMID: 23668869, 25325900, 29290338, 31370276). The variant has been reported at least twice as pathogenic with clinical assertions and evidence for the classification (ClinVar ID: VCV000404597 /PMID: 10543400 /3billion dataset). Therefore, this variant is classified as Pathogenic according to the recommendation of ACMG/AMP guideline.

Clinical Genomics Laboratory, Washington University in St. Louis
Classification: Pathogenic for Neurofibromatosis, type 1. Last evaluated: 2024-12-26. Review status: criteria provided, single submitter. Criteria: Leon-Quintero et al. (Clin Genet. 2025). Collection method: clinical testing. Allele origin: somatic. Affected: yes.
Comment: An NF1 c.1246C>T (p.Arg416*) variant was identified at an allelic fraction consistent with somatic origin. This variant has been reported in numerous individuals with neurofibromatosis type 1 (Osborn MJ et al., PMID: 10543400; Fahsold R et al., PMID: 10712197; Mattocks C et al., PMID: 15060124; Ko JM et al., PMID:23668869; Maruoka R et al., PMID: 25325900; Duat Rodriguez A et al., PMID: 25541118; Laycock-van Spyk S et al., PMID: 22155606). It is only observed on 1/1,611,594 alleles in the general population (gnomAD v.4.1.0), indicating it is not a common variant. It has been reported in the ClinVar database as pathogenic by several submitters (ClinVar variation ID: 404597). The NF1 c.1246C>T (p.Arg416*) variant causes a premature termination codon, which is predicted to result in protein truncation or lead to nonsense mediated decay. Based on available information and an internally developed protocol informed by the ACMG/AMP guidelines for variant interpretation (Leon-Quintero FZ et al., PMID: 39434542), this variant is classified as pathogenic.

NHS Central & South Genomic Laboratory Hub
Classification: Pathogenic for Neurofibromatosis type 1. Last evaluated: 2024-11-11. Review status: criteria provided, single submitter. Criteria: ACMG Guidelines, 2015. Collection method: clinical testing. Allele origin: germline. Affected: yes.

Athena Diagnostics
Classification: Pathogenic. Last evaluated: 2024-10-31. Review status: criteria provided, single submitter. Criteria: Athena Diagnostics Criteria. Collection method: clinical testing. Allele origin: unknown.
Comment: This variant is expected to result in the loss of a functional protein. The frequency of this variant in the general population is consistent with pathogenicity. This variant has been identified in multiple unrelated individuals with neurofibromatosis type 1.

NM_001042492.3(NF1):c.1246C>T (p.Arg416Ter)

Gene: NF1 (neurofibromin 1; plus strand). Cytogenetic location: 17q11.2.
Variant type: single nucleotide variant.
Coding change: c.1246C>T on transcript NM_001042492.3 (MANE Select); coding-DNA position 1246, C replaced by T.
Protein change: p.Arg416Ter; replaces arginine 416 with a stop codon.
Molecular consequence: nonsense.
Genome position (GRCh38, 1-based): chr17:31,201,471, C>T. VCF-style: chr17-31201471-C-T. GRCh37 (hg19) VCF-style: chr17-29528489-C-T.
Other names: c.[1246C>T] (NM_000267.3); c.1246C>T, p.Arg416Ter (NM_000267.4, NM_001128147.3); short protein forms R416*.
Identifiers: ClinVar variation 404597 (VCV000404597.120), dbSNP rs764079291, ClinGen allele CA8485718.